The following is an entry in ClinVar:

NM_001370259.2(MEN1):c.1317_1320del (p.Phe439fs)

Gene: MEN1 (menin 1; minus strand). Cytogenetic location: 11q13.1.
Variant type: Deletion.
Coding change: c.1317_1320del on transcript NM_001370259.2 (MANE Select); coding-DNA positions 1317 to 1320, 4 bases deleted (TCTT; older notation c.1317_1320delTCTT).
Protein change: p.Phe439fs; shifts the reading frame from phenylalanine 439.
Molecular consequence: frameshift variant.
Genome position (GRCh38, 1-based): chr11:64,805,064-64,805,067, AAGA deleted on the plus strand (TCTT on the coding strand, the reverse complement: MEN1 is on the minus strand); deleting any 4 consecutive bases within chr11:64,805,064-64,805,070 gives the same sequence; the c. name uses the placement nearest the transcript's 3' end. VCF-style (leftmost placement, unchanged base first): chr11-64805063-CAAGA-C. GRCh37 (hg19) VCF-style: chr11-64572535-CAAGA-C.
Other names: c.1212_1215del, p.Phe404fs (NM_001370262.2, NM_001370263.2); c.1317_1320del, p.Phe439fs (NM_130799.3, NM_001370260.2, NM_001370261.2); c.1332_1335del, p.Phe444fs (NM_130800.3, NM_130801.3, NM_130802.3 and 3 more transcripts); c.1443_1446del, p.Phe481fs (NM_001370251.2); short protein forms F444fs, F404fs, F439fs, F481fs.
Identifiers: ClinVar variation 936164 (VCV000936164.9), dbSNP rs1941607846, ClinGen allele CA1139661998.

ClinVar aggregate classification (germline): Pathogenic (1 of 4 stars; one submission).

Conditions:
Multiple endocrine neoplasia, type 1 (MEN1). Also called: MEN I; WERMER SYNDROME; Endocrine adenomatosis multiple; MEN 1; MEA I. Identifiers: Orphanet 652, MedGen C0025267, MeSH D018761, MONDO:0007540, OMIM 131100.

Submission:

Labcorp Genetics (formerly Invitae), Labcorp
Classification: Pathogenic for Multiple endocrine neoplasia, type 1. Last evaluated: 2020-01-31. Review status: criteria provided, single submitter. Criteria: Invitae Variant Classification Sherloc (09022015). Collection method: clinical testing. Allele origin: germline.
Comment: This variant has been observed in families with clinical features of multiple endocrine neoplasia type 1 (PMID: 9683585, 11836268). This variant is also known as 1424del4 in the literature. For these reasons, this variant has been classified as Pathogenic. This variant disrupts the C-terminus of the MEN1 protein. Other variant(s) that disrupt this region (p.Lys559Glufs*38) have been determined to be pathogenic (PMID: 10090472, Invitae). This suggests that variants that disrupt this region of the protein are likely to be causative of disease. This variant is not present in population databases (ExAC no frequency). This sequence change results in a premature translational stop signal in the MEN1 gene (p.Phe439Leufs*5). While this is not anticipated to result in nonsense mediated decay, it is expected to disrupt the last 172 amino acids of the MEN1 protein.

Literature cited by the submitters: PubMed 9683585; PubMed 11836268; PubMed 10090472.